The following is an entry in ClinVar:

ClinVar aggregate classification (germline): Uncertain significance. Review status: criteria provided, multiple submitters, no conflicts (2 of 4 stars). 3 submissions from 3 submitters: Uncertain significance (3). Last evaluated 2025-03-24.

Conditions:
Inborn genetic diseases. Identifiers: MedGen C0950123, MeSH D030342.
Deafness-lymphedema-leukemia syndrome. Also called: Emberger syndrome; Lymphedema, primary, with myelodysplasia. Identifiers: Orphanet 3226, MedGen C3279664, MONDO:0013540, OMIM 614038.
Monocytopenia with susceptibility to infections. Also called: MONOCYTOPENIA AND MYCOBACTERIAL INFECTION SYNDROME; MONOCYTOPENIA WITH SUSCEPTIBILITY TO MYCOBACTERIAL, FUNGAL, AND PAPILLOMAVIRUS INFECTIONS AND MYELODYSPLASIA; COMBINED IMMUNODEFICIENCY WITH SUSCEPTIBILITY TO MYCOBACTERIAL, VIRAL, AND FUNGAL INFECTIONS; Dendritic cell, monocyte, B lymphocyte, and natural killer lymphocyte deficiency; IMMUNODEFICIENCY 21; GATA2 DEFICIENCY. Identifiers: Orphanet 228423, MedGen C3280030, MONDO:0013607, OMIM 614172.

Allele frequency attached by ClinVar (database versions not stated): ExAC 0.00001; TOPMed 0.00001.
gnomAD v4.1: 16 of 1,614,110 alleles (0.00099%); highest among the groups gnomAD compares: Non-Finnish European, 0.0014%; no homozygotes.

Submissions (3):

Labcorp Genetics (formerly Invitae), Labcorp
Classification: Uncertain significance for Monocytopenia with susceptibility to infections; Deafness-lymphedema-leukemia syndrome. Last evaluated: 2025-03-24. Review status: criteria provided, single submitter. Criteria: Invitae Variant Classification Sherloc (09022015). Collection method: clinical testing. Allele origin: germline.
Comment: This sequence change replaces glycine, which is neutral and non-polar, with valine, which is neutral and non-polar, at codon 199 of the GATA2 protein (p.Gly199Val). This variant is present in population databases (rs780930549, gnomAD 0.002%). This variant has not been reported in the literature in individuals affected with GATA2-related conditions. ClinVar contains an entry for this variant (Variation ID: 472461). Invitae Evidence Modeling of protein sequence and biophysical properties (such as structural, functional, and spatial information, amino acid conservation, physicochemical variation, residue mobility, and thermodynamic stability) has been performed for this missense variant. However, the output from this modeling did not meet the statistical confidence thresholds required to predict the impact of this variant on GATA2 protein function. In summary, the available evidence is currently insufficient to determine the role of this variant in disease. Therefore, it has been classified as a Variant of Uncertain Significance.

Ambry Genetics
Classification: Uncertain significance for Inborn genetic diseases. Last evaluated: 2024-12-11. Review status: criteria provided, single submitter. Criteria: Ambry Variant Classification Scheme 2023. Collection method: clinical testing. Allele origin: germline.
Comment: The p.G199V variant (also known as c.596G>T), located in coding exon 2 of the GATA2 gene, results from a G to T substitution at nucleotide position 596. The glycine at codon 199 is replaced by valine, an amino acid with dissimilar properties. This amino acid position is highly conserved in available vertebrate species. In addition, this alteration is predicted to be deleterious by in silico analysis. Based on the available evidence, the clinical significance of this variant remains unclear.

GeneDx
Classification: Uncertain significance. Last evaluated: 2024-06-04. Review status: criteria provided, single submitter. Criteria: GeneDx Variant Classification Process June 2021. Collection method: clinical testing. Allele origin: germline. Affected: yes.
Comment: Not observed at significant frequency in large population cohorts (gnomAD); In silico analysis supports that this missense variant does not alter protein structure/function; Has not been previously published as pathogenic or benign to our knowledge

NM_032638.5(GATA2):c.596G>T (p.Gly199Val)

Gene: GATA2 (GATA binding protein 2; minus strand). Cytogenetic location: 3q21.3.
Variant type: single nucleotide variant.
Coding change: c.596G>T on transcript NM_032638.5 (MANE Select); coding-DNA position 596, G replaced by T.
Protein change: p.Gly199Val; replaces glycine 199 with valine.
Molecular consequence: missense variant.
Genome position (GRCh38, 1-based): chr3:128,486,002, C>A on the plus strand (G>T on the coding strand, the complement: GATA2 is on the minus strand). VCF-style: chr3-128486002-C-A. GRCh37 (hg19) VCF-style: chr3-128204845-C-A.
Other names: c.596G>T, p.Gly199Val (NM_001145661.2, NM_001145662.1); short protein forms G199V.
Identifiers: ClinVar variation 472461 (VCV000472461.12), dbSNP rs780930549, ClinGen allele CA2599992.
Genomic context (GRCh38, chr3:128,486,002, plus strand): 5'-TCCGTCAGTGACACCTGGTACTTGACGCCGTCCTTGTCCTCTCCTCGGGCTGCACTACCC[C>A]CCGCGGAAGATGAGGCTGGAGACGCAGCCCCCGTGGTGCTAGGGTCAGGAGACACTTCTT-3'
Protein context (NP_116027.2, residues 189-209): GAASPASSSA[Gly199Val]GSAARGEDKD